The following is an entry in ClinVar:

NM_005751.5(AKAP9):c.4631G>C (p.Cys1544Ser)

Gene: AKAP9 (A-kinase anchoring protein 9; plus strand). Cytogenetic location: 7q21.2.
Variant type: single nucleotide variant.
Coding change: c.4631G>C on transcript NM_005751.5 (MANE Select); coding-DNA position 4631, G replaced by C.
Protein change: p.Cys1544Ser; replaces cysteine 1544 with serine.
Molecular consequence: missense variant.
Genome position (GRCh38, 1-based): chr7:92,038,711, G>C. VCF-style: chr7-92038711-G-C. GRCh37 (hg19) VCF-style: chr7-91668025-G-C.
Other names: c.4631G>C, p.Cys1544Ser (NM_147185.3); short protein forms C1544S.
Identifiers: ClinVar variation 3009243 (VCV003009243.4), dbSNP rs557980103, ClinGen allele CA4336600.

ClinVar aggregate classification (germline): Conflicting classifications of pathogenicity. Review status: criteria provided, conflicting classifications (1 of 4 stars). 2 submissions from 2 submitters: Uncertain significance (1); Likely benign (1). Last evaluated 2026-01-15.

Conditions:
Cardiovascular phenotype. Identifiers: MedGen CN230736.
Long QT syndrome (LQTS). Identifiers: MedGen C0023976, MeSH D008133, MONDO:0002442. Disease mechanism: loss of function. Inheritance: Various modes of inheritance.

Allele frequency attached by ClinVar (database versions not stated): ExAC 0.00004; 1000 Genomes Project 30x 0.00016; gnomAD 0.00001; 1000 Genomes Project 0.00020; TOPMed below 0.00001.
gnomAD v4.1: 12 of 1,607,404 alleles (0.00075%); highest among the groups gnomAD compares: East Asian, 0.025%; no homozygotes.

Submissions (2):

Labcorp Genetics (formerly Invitae), Labcorp
Classification: Uncertain significance for Long QT syndrome. Last evaluated: 2026-01-15. Review status: criteria provided, single submitter. Criteria: Invitae Variant Classification Sherloc (09022015). Collection method: clinical testing. Allele origin: germline.
Comment: This sequence change replaces cysteine, which is neutral and slightly polar, with serine, which is neutral and polar, at codon 1544 of the AKAP9 protein (p.Cys1544Ser). This variant is present in population databases (rs557980103, gnomAD 0.05%). This variant has not been reported in the literature in individuals affected with AKAP9-related conditions. ClinVar contains an entry for this variant (Variation ID: 3009243). An algorithm developed to predict the effect of missense changes on protein structure and function (PolyPhen-2) suggests that this variant is likely to be tolerated. In summary, the available evidence is currently insufficient to determine the role of this variant in disease. Therefore, it has been classified as a Variant of Uncertain Significance.

Ambry Genetics
Classification: Likely benign for Cardiovascular phenotype. Last evaluated: 2024-07-06. Review status: criteria provided, single submitter. Criteria: Ambry Variant Classification Scheme 2023. Collection method: clinical testing. Allele origin: germline.